The following is an entry in ClinVar:

ClinVar aggregate classification (germline): Pathogenic (1 of 4 stars; one submission).

Conditions:
Cholestanol storage disease (CTX). Also called: Cerebrotendinous Xanthomatosis; CEREBRAL CHOLESTERINOSIS; CTX: Cerebrotendinous xanthomatosis. Identifiers: Orphanet 909, MedGen C0238052, MONDO:0008948, OMIM 213700.

Submission:

Labcorp Genetics (formerly Invitae), Labcorp
Classification: Pathogenic for Cholestanol storage disease. Last evaluated: 2023-07-25. Review status: criteria provided, single submitter. Criteria: Invitae Variant Classification Sherloc (09022015). Collection method: clinical testing. Allele origin: germline.
Comment: Information on the frequency of this variant in the gnomAD database is not available, as this variant may be reported differently in the database. This sequence change replaces arginine, which is basic and polar, with serine, which is neutral and polar, at codon 479 of the CYP27A1 protein (p.Arg479Ser). This missense change has been observed in individual(s) with cerebrotendinous xanthomatosis (PMID: 29095540). In at least one individual the data is consistent with being in trans (on the opposite chromosome) from a pathogenic variant. For these reasons, this variant has been classified as Pathogenic. This variant disrupts the p.Arg479 amino acid residue in CYP27A1. Other variant(s) that disrupt this residue have been determined to be pathogenic (PMID: 2019602, 21073839, 24584636). This suggests that this residue is clinically significant, and that variants that disrupt this residue are likely to be disease-causing. Experimental studies have shown that this missense change affects CYP27A1 function (PMID: 17444890). Algorithms developed to predict the effect of variants on protein structure and function are not available or were not evaluated for this variant. ClinVar contains an entry for this variant (Variation ID: 1069502).

Literature cited by the submitters: PubMed 29095540; PubMed 2019602; PubMed 21073839; PubMed 24584636; PubMed 17444890.

NM_000784.4(CYP27A1):c.1434_1435delinsAA (p.Arg479Ser)

Gene: CYP27A1 (cytochrome P450 family 27 subfamily A member 1; plus strand). Cytogenetic location: 2q35.
Variant type: Indel.
Coding change: c.1434_1435delinsAA on transcript NM_000784.4 (MANE Select); coding-DNA positions 1434 to 1435, CC replaced by AA.
Protein change: p.Arg479Ser; replaces arginine 479 with serine.
Molecular consequence: missense variant.
Genome position (GRCh38, 1-based): chr2:218,814,715-218,814,716, CC replaced by AA. VCF-style: chr2-218814715-CC-AA. GRCh37 (hg19) VCF-style: chr2-219679438-CC-AA.
Other names: short protein forms R479S.
Identifiers: ClinVar variation 1069502 (VCV001069502.7), dbSNP rs2105981299, ClinGen allele CA2499215672.